The following is an entry in ClinVar:

ClinVar aggregate classification (germline): Uncertain significance (1 of 4 stars; one submission).

Conditions:
Immunodeficiency 31B. Also called: IMMUNODEFICIENCY 31B, MYCOBACTERIAL AND VIRAL INFECTIONS, AUTOSOMAL RECESSIVE; STAT1 DEFICIENCY, AUTOSOMAL RECESSIVE. Identifiers: Orphanet 391311, MedGen C3151088, MONDO:0013427, OMIM 613796.
Autoimmune enteropathy and endocrinopathy - susceptibility to chronic infections syndrome. Also called: Immunodeficiency 31C, autosomal dominant; Immunodeficiency 31C. Identifiers: Orphanet 391487, MedGen C3279990, MONDO:0013599, OMIM 614162.
Mendelian susceptibility to mycobacterial diseases due to partial STAT1 deficiency. Also called: STAT1 DEFICIENCY, AUTOSOMAL DOMINANT; IMMUNODEFICIENCY 31A, MYCOBACTERIOSIS, AUTOSOMAL DOMINANT; Immunodeficiency 31a. Identifiers: Orphanet 319595, MedGen C4013950, MONDO:0013956, OMIM 614892.

Submission:

Labcorp Genetics (formerly Invitae), Labcorp
Classification: Uncertain significance for Mendelian susceptibility to mycobacterial diseases due to partial STAT1 deficiency; Immunodeficiency 31B; Autoimmune enteropathy and endocrinopathy - susceptibility to chronic infections syndrome. Last evaluated: 2024-10-22. Review status: criteria provided, single submitter. Criteria: Invitae Variant Classification Sherloc (09022015). Collection method: clinical testing. Allele origin: germline.
Comment: This sequence change replaces methionine, which is neutral and non-polar, with isoleucine, which is neutral and non-polar, at codon 154 of the STAT1 protein (p.Met154Ile). This variant also falls at the last nucleotide of exon 6, which is part of the consensus splice site for this exon. This variant is not present in population databases (gnomAD no frequency). This variant has not been reported in the literature in individuals affected with STAT1-related conditions. An algorithm developed to predict the effect of missense changes on protein structure and function (PolyPhen-2) suggests that this variant is likely to be tolerated. Variants that disrupt the consensus splice site are a relatively common cause of aberrant splicing (PMID: 17576681, 9536098). Algorithms developed to predict the effect of sequence changes on RNA splicing suggest that this variant may disrupt the consensus splice site. In summary, the available evidence is currently insufficient to determine the role of this variant in disease. Therefore, it has been classified as a Variant of Uncertain Significance.

Literature cited by the submitters: PubMed 17576681; PubMed 9536098.

NM_007315.4(STAT1):c.462G>A (p.Met154Ile)

Gene: STAT1 (signal transducer and activator of transcription 1; minus strand). Cytogenetic location: 2q32.2.
Variant type: single nucleotide variant.
Coding change: c.462G>A on transcript NM_007315.4 (MANE Select); coding-DNA position 462, G replaced by A.
Protein change: p.Met154Ile; replaces methionine 154 with isoleucine.
Molecular consequence: missense variant. On other transcripts: intron variant (1).
Genome position (GRCh38, 1-based): chr2:191,001,074, C>T on the plus strand (G>A on the coding strand, the complement: STAT1 is on the minus strand). VCF-style: chr2-191001074-C-T. GRCh37 (hg19) VCF-style: chr2-191865800-C-T.
Other names: c.462G>A, p.Met154Ile (NM_001384880.1, NM_001384882.1, NM_001384883.1 and 6 more transcripts); c.468G>A, p.Met156Ile (NM_001384881.1, NM_001384884.1); c.498G>A, p.Met166Ile (NM_001384891.1); c.373-1370G>A (NM_001384890.1); short protein forms M154I, M156I, M166I.
Identifiers: ClinVar variation 3752046 (VCV003752046.2).